The following is an entry in ClinVar:

NM_001278512.2(AP3B2):c.2281G>C (p.Gly761Arg)

Genes: AP3B2 (adaptor related protein complex 3 subunit beta 2; minus strand), CPEB1-AS1 (CPEB1 antisense RNA 1; plus strand). Cytogenetic location: 15q25.2.
Variant type: single nucleotide variant.
Coding change: c.2281G>C on transcript NM_001278512.2 (MANE Select); coding-DNA position 2281, G replaced by C.
Protein change: p.Gly761Arg; replaces glycine 761 with arginine.
Molecular consequence: missense variant.
Genome position (GRCh38, 1-based): chr15:82,663,956, C>G on the plus strand (G>C on the coding strand, the complement: AP3B2 is on the minus strand). VCF-style: chr15-82663956-C-G. GRCh37 (hg19) VCF-style: chr15-83332708-C-G.
Other names: c.2128G>C, p.Gly710Arg (NM_001278511.2); c.2224G>C, p.Gly742Arg (NM_004644.5); c.2224G>C (NM_004644.3); short protein forms G710R, G742R, G761R.
Identifiers: ClinVar variation 1465872 (VCV001465872.4), dbSNP rs2048005309, ClinGen allele CA393310855.

ClinVar aggregate classification (germline): Uncertain significance. Review status: criteria provided, multiple submitters, no conflicts (2 of 4 stars). 2 submissions from 2 submitters: Uncertain significance (2). Last evaluated 2025-12-08.

Conditions:
Inborn genetic diseases. Identifiers: MedGen C0950123, MeSH D030342.

Allele frequency attached by ClinVar (database versions not stated): TOPMed 0.00002; gnomAD 0.00001.
gnomAD v4.1: 2 of 1,605,252 alleles (0.00012%); highest among the groups gnomAD compares: African/African-American, 0.0013%; no homozygotes.

Submissions (2):

Ambry Genetics
Classification: Uncertain significance for Inborn genetic diseases. Last evaluated: 2025-12-08. Review status: criteria provided, single submitter. Criteria: Ambry Variant Classification Scheme 2023. Collection method: clinical testing. Allele origin: germline.

Labcorp Genetics (formerly Invitae), Labcorp
Classification: Uncertain significance. Last evaluated: 2022-07-12. Review status: criteria provided, single submitter. Criteria: Invitae Variant Classification Sherloc (09022015). Collection method: clinical testing. Allele origin: germline.
Comment: This sequence change replaces glycine, which is neutral and non-polar, with arginine, which is basic and polar, at codon 742 of the AP3B2 protein (p.Gly742Arg). This variant is not present in population databases (gnomAD no frequency). This variant has not been reported in the literature in individuals affected with AP3B2-related conditions. ClinVar contains an entry for this variant (Variation ID: 1465872). Algorithms developed to predict the effect of missense changes on protein structure and function are either unavailable or do not agree on the potential impact of this missense change (SIFT: "Tolerated"; PolyPhen-2: "Probably Damaging"; Align-GVGD: "Class C0"). In summary, the available evidence is currently insufficient to determine the role of this variant in disease. Therefore, it has been classified as a Variant of Uncertain Significance.